The following is an entry in ClinVar:

NM_001845.6(COL4A1):c.3235G>A (p.Gly1079Arg)

Gene: COL4A1 (collagen type IV alpha 1 chain; minus strand). Cytogenetic location: 13q34.
Variant type: single nucleotide variant.
Coding change: c.3235G>A on transcript NM_001845.6 (MANE Select); coding-DNA position 3235, G replaced by A.
Protein change: p.Gly1079Arg; replaces glycine 1079 with arginine.
Molecular consequence: missense variant.
Genome position (GRCh38, 1-based): chr13:110,174,713, C>T on the plus strand (G>A on the coding strand, the complement: COL4A1 is on the minus strand). VCF-style: chr13-110174713-C-T. GRCh37 (hg19) VCF-style: chr13-110827060-C-T.
Other names: short protein forms G1079R.
Identifiers: ClinVar variation 1499947 (VCV001499947.6), dbSNP rs2139160417, ClinGen allele CA388664687.

ClinVar aggregate classification (germline): Likely pathogenic (1 of 4 stars; one submission).

Submission:

Labcorp Genetics (formerly Invitae), Labcorp
Classification: Likely pathogenic. Last evaluated: 2022-12-20. Review status: criteria provided, single submitter. Criteria: Invitae Variant Classification Sherloc (09022015). Collection method: clinical testing. Allele origin: germline.
Comment: In summary, the currently available evidence indicates that the variant is pathogenic, but additional data are needed to prove that conclusively. Therefore, this variant has been classified as Likely Pathogenic. This variant disrupts the triple helix domain of COL4A1. Glycine residues within the Gly-Xaa-Yaa repeats of the triple helix domain are required for the structure and stability of fibrillar collagens (PMID: 7695699, 8218237, 19344236). In COL4A1 variants affecting these glycine residues are significantly enriched in individuals with disease (PMID: 9016532, 17078022) compared to the general population (ExAC). Algorithms developed to predict the effect of missense changes on protein structure and function (SIFT, PolyPhen-2, Align-GVGD) all suggest that this variant is likely to be disruptive. ClinVar contains an entry for this variant (Variation ID: 1499947). This variant has not been reported in the literature in individuals affected with COL4A1-related conditions. This variant is not present in population databases (gnomAD no frequency). This sequence change replaces glycine, which is neutral and non-polar, with arginine, which is basic and polar, at codon 1079 of the COL4A1 protein (p.Gly1079Arg).

Literature cited by the submitters: PubMed 7695699; PubMed 8218237; PubMed 19344236; PubMed 9016532; PubMed 17078022.